The following is an entry in ClinVar:

NM_000747.3(CHRNB1):c.240C>G (p.Asp80Glu)

Gene: CHRNB1 (cholinergic receptor nicotinic beta 1 subunit; plus strand). Cytogenetic location: 17p13.1.
Variant type: single nucleotide variant.
Coding change: c.240C>G on transcript NM_000747.3 (MANE Select); coding-DNA position 240, C replaced by G.
Protein change: p.Asp80Glu; replaces aspartic acid 80 with glutamic acid.
Molecular consequence: missense variant.
Genome position (GRCh38, 1-based): chr17:7,446,110, C>G. VCF-style: chr17-7446110-C-G. GRCh37 (hg19) VCF-style: chr17-7349429-C-G.
Other names: short protein forms D80E.
Identifiers: ClinVar variation 642218 (VCV000642218.9), dbSNP rs373533921, ClinGen allele CA287422763.
Genomic context (GRCh38, chr17:7,446,110, plus strand): 5'-TTAAATTTTTCCCTTCTAGAACGAGAAGGATGAAGAGATGAGCACAAAGGTGTACTTAGA[C>G]CTGGTATGGAGACCCCACGGGGTGGGAAAGGGCTTCCCTCTGCCTTGACAATTTCCTTGA-3'
Protein context (NP_000738.2, residues 70-90): DEEMSTKVYL[Asp80Glu]LEWTDYRLSW

ClinVar aggregate classification (germline): Uncertain significance. Review status: criteria provided, multiple submitters, no conflicts (2 of 4 stars). 2 submissions from 2 submitters: Uncertain significance (2). Last evaluated 2025-10-02.

Conditions:
Congenital myasthenic syndrome 2A. Also called: Myasthenic syndrome, congenital, 2a, slow-channel. Identifiers: Orphanet 590, MedGen C4225374, MONDO:0014581, OMIM 616313.

Allele frequency attached by ClinVar (database versions not stated): gnomAD exomes below 0.00001 and 0.00001; gnomAD 0.00001; TOPMed 0.00002; ESP Exome Variant Server 0.00008.
gnomAD v4.1: 21 of 1,613,748 alleles (0.0013%); highest among the groups gnomAD compares: Non-Finnish European, 0.0015%; no homozygotes.

Submissions (2):

Labcorp Genetics (formerly Invitae), Labcorp
Classification: Uncertain significance for Congenital myasthenic syndrome 2A. Last evaluated: 2025-10-02. Review status: criteria provided, single submitter. Criteria: Invitae Variant Classification Sherloc (09022015). Collection method: clinical testing. Allele origin: germline.
Comment: This sequence change replaces aspartic acid, which is acidic and polar, with glutamic acid, which is acidic and polar, at codon 80 of the CHRNB1 protein (p.Asp80Glu). This variant is present in population databases (rs373533921, gnomAD 0.0009%). This variant has not been reported in the literature in individuals affected with CHRNB1-related conditions. ClinVar contains an entry for this variant (Variation ID: 642218). Invitae Evidence Modeling of protein sequence and biophysical properties (such as structural, functional, and spatial information, amino acid conservation, physicochemical variation, residue mobility, and thermodynamic stability) indicates that this missense variant is not expected to disrupt CHRNB1 protein function with a negative predictive value of 80%. In summary, the available evidence is currently insufficient to determine the role of this variant in disease. Therefore, it has been classified as a Variant of Uncertain Significance.

Breakthrough Genomics
Classification: Uncertain significance. Review status: criteria provided, single submitter. Criteria: ACMG Guidelines, 2015. Collection method: not provided. Allele origin: germline. Inheritance: Autosomal recessive inheritance. Affected: yes.